The following is an entry in ClinVar:

ClinVar aggregate classification (germline): Benign (1 of 4 stars; one submission).

Conditions:
MELAS syndrome (MELAS). Also called: Juvenile myopathy, encephalopathy, lactic acidosis, stroke. Identifiers: Orphanet 550, MedGen C0162671, MONDO:0010789, OMIM 540000.

Submission:

Wong Mito Lab, Molecular and Human Genetics, Baylor College of Medicine
Classification: Benign for MELAS syndrome. Last evaluated: 2019-07-12. Review status: criteria provided, single submitter. Criteria: Modified ACMG Guidelines (Unpublished). Collection method: clinical testing. Allele origin: germline.
Comment: The NC_012920.1:m.7543A>G variant in MT-TD gene is interpreted to be a Benign variant based on the modified ACMG guidelines (unpublished). This variant meets the following evidence codes reported in the guidelines: BS1, BS2

Literature cited by the submitters: PubMed 31965079; PubMed 10488907.

NC_012920.1(MT-TD):m.7543A>G

Gene: MT-TD (mitochondrially encoded tRNA aspartic acid; plus strand).
Variant type: single nucleotide variant.
Genome position: chrM-7543-A-G.
Identifiers: ClinVar variation 690042 (VCV000690042.1), dbSNP rs1603221006, ClinGen allele CA913177355.